The following is an entry in ClinVar:

ClinVar aggregate classification (germline): Uncertain significance. Review status: criteria provided, multiple submitters, no conflicts (2 of 4 stars). 2 submissions from 2 submitters: Uncertain significance (2). Last evaluated 2024-11-18.

Conditions:
Biotin-responsive basal ganglia disease (BTBGD). Also called: Thiamine Transporter-2 Deficiency; Thiamine metabolism dysfunction syndrome type 2; THIAMINE METABOLISM DYSFUNCTION SYNDROME 2 (BIOTIN- AND THIAMINE-RESPONSIVE TYPE); Thiamine metabolism dysfunction syndrome 2 (biotin- or thiamine-responsive encephalopathy type 2); thiamine-responsive encephalopathy. Identifiers: Orphanet 199348, Orphanet 65284, MedGen C1843807, MONDO:0011841, OMIM 607483.

Allele frequency attached by ClinVar (database versions not stated): gnomAD 0.00001; TOPMed 0.00001; ExAC 0.00002; ESP Exome Variant Server 0.00008.
gnomAD v4.1: 5 of 1,613,696 alleles (0.00031%); highest among the groups gnomAD compares: East Asian, 0.0067%; no homozygotes.

Submissions (2):

Labcorp Genetics (formerly Invitae), Labcorp
Classification: Uncertain significance for Biotin-responsive basal ganglia disease. Last evaluated: 2024-11-18. Review status: criteria provided, single submitter. Criteria: Invitae Variant Classification Sherloc (09022015). Collection method: clinical testing. Allele origin: germline.
Comment: This sequence change replaces valine, which is neutral and non-polar, with isoleucine, which is neutral and non-polar, at codon 319 of the SLC19A3 protein (p.Val319Ile). This variant is present in population databases (rs372511010, gnomAD 0.007%). This variant has not been reported in the literature in individuals affected with SLC19A3-related conditions. ClinVar contains an entry for this variant (Variation ID: 1479652). Invitae Evidence Modeling of protein sequence and biophysical properties (such as structural, functional, and spatial information, amino acid conservation, physicochemical variation, residue mobility, and thermodynamic stability) has been performed for this missense variant. However, the output from this modeling did not meet the statistical confidence thresholds required to predict the impact of this variant on SLC19A3 protein function. In summary, the available evidence is currently insufficient to determine the role of this variant in disease. Therefore, it has been classified as a Variant of Uncertain Significance.

GeneDx
Classification: Uncertain significance. Last evaluated: 2022-02-04. Review status: criteria provided, single submitter. Criteria: GeneDx Variant Classification Process June 2021. Collection method: clinical testing. Allele origin: germline. Affected: yes.
Comment: Not observed at significant frequency in large population cohorts (gnomAD); In silico analysis supports that this missense variant does not alter protein structure/function; Has not been previously published as pathogenic or benign in association with a neurodevelopmental disorder to our knowledge; This variant is associated with the following publications: (PMID: 28402605)

NM_025243.4(SLC19A3):c.955G>A (p.Val319Ile)

Gene: SLC19A3 (solute carrier family 19 member 3; minus strand). Cytogenetic location: 2q36.3.
Variant type: single nucleotide variant.
Coding change: c.955G>A on transcript NM_025243.4 (MANE Select); coding-DNA position 955, G replaced by A.
Protein change: p.Val319Ile; replaces valine 319 with isoleucine.
Molecular consequence: missense variant.
Genome position (GRCh38, 1-based): chr2:227,698,760, C>T on the plus strand (G>A on the coding strand, the complement: SLC19A3 is on the minus strand). VCF-style: chr2-227698760-C-T. GRCh37 (hg19) VCF-style: chr2-228563476-C-T.
Other names: c.955G>A, p.Val319Ile (NM_001371411.1, NM_001371412.1); c.943G>A, p.Val315Ile (NM_001371413.1, NM_001371414.1); short protein forms V319I, V315I.
Identifiers: ClinVar variation 1479652 (VCV001479652.6), dbSNP rs372511010, ClinGen allele CA2149209.